The following is an entry in ClinVar:

ClinVar aggregate classification (germline): Pathogenic/Likely pathogenic. Review status: criteria provided, multiple submitters, no conflicts (2 of 4 stars). 3 submissions from 3 submitters: Pathogenic (1); Likely pathogenic (2). Last evaluated 2025-12-31.

Conditions:
Joubert syndrome. Also called: Familial aplasia of the vermis; JOUBERT-BOLTSHAUSER SYNDROME. Identifiers: Orphanet 475, MedGen C5979921, MONDO:0018772.
Nephronophthisis. Also called: Juvenile Nephronophthisis. Identifiers: Orphanet 655, MedGen C0687120, MONDO:0019005, HP:0000090.
Meckel-Gruber syndrome. Also called: DYSENCEPHALIA SPLANCHNOCYSTICA; Dysencephalia splachnocystica; GRUBER SYNDROME. Identifiers: Orphanet 564, MedGen C0265215, MONDO:0018921.
Bardet-Biedl syndrome 14 (BBS14). Identifiers: Orphanet 110, MedGen C2673874, MONDO:0014442, OMIM 615991.
CEP290-related disorder. Also called: CEP290-related disorders; CEP290-related condition. Identifiers: MedGen CN239314.

gnomAD v4.1: 1 of 1,544,298 alleles (0.000065%); highest among the groups gnomAD compares: East Asian, 0.0024%; no homozygotes.

Submissions (3):

PreventionGenetics, part of Exact Sciences
Classification: Likely pathogenic for CEP290-related condition. Last evaluated: 2025-12-31. Review status: criteria provided, single submitter. Criteria: ACMG Guidelines, 2015. Collection method: clinical testing. Allele origin: germline.
Comment: The CEP290 c.4879G>T variant is predicted to result in premature protein termination (p.Glu1627*). To our knowledge, this variant has not been reported in the literature or in a large population database, indicating this variant is rare. Nonsense variants in CEP290 are expected to be pathogenic. This variant is interpreted as likely pathogenic.

Labcorp Genetics (formerly Invitae), Labcorp
Classification: Pathogenic for Joubert syndrome; Meckel-Gruber syndrome; Nephronophthisis. Last evaluated: 2023-07-30. Review status: criteria provided, single submitter. Criteria: Invitae Variant Classification Sherloc (09022015). Collection method: clinical testing. Allele origin: germline.
Comment: This sequence change creates a premature translational stop signal (p.Glu1627*) in the CEP290 gene. It is expected to result in an absent or disrupted protein product. Loss-of-function variants in CEP290 are known to be pathogenic (PMID: 16909394, 17345604, 20690115). This variant is not present in population databases (gnomAD no frequency). This variant has not been reported in the literature in individuals affected with CEP290-related conditions. For these reasons, this variant has been classified as Pathogenic.

Baylor Genetics
Classification: Likely pathogenic for Bardet-Biedl syndrome 14. Last evaluated: 2022-12-05. Review status: criteria provided, single submitter. Criteria: ACMG Guidelines, 2015. Collection method: clinical testing. Allele origin: unknown.

Literature cited by the submitters: PubMed 16909394 (cited by Labcorp Genetics (formerly Invitae), Labcorp); PubMed 17345604 (cited by Labcorp Genetics (formerly Invitae), Labcorp); PubMed 20690115 (cited by Labcorp Genetics (formerly Invitae), Labcorp).

NM_025114.4(CEP290):c.4879G>T (p.Glu1627Ter)

Gene: CEP290 (centrosomal protein 290; minus strand). Cytogenetic location: 12q21.32.
Variant type: single nucleotide variant.
Coding change: c.4879G>T on transcript NM_025114.4 (MANE Select); coding-DNA position 4879, G replaced by T.
Protein change: p.Glu1627Ter; replaces glutamic acid 1627 with a stop codon.
Molecular consequence: nonsense.
Genome position (GRCh38, 1-based): chr12:88,083,164, C>A on the plus strand (G>T on the coding strand, the complement: CEP290 is on the minus strand). VCF-style: chr12-88083164-C-A. GRCh37 (hg19) VCF-style: chr12-88476941-C-A.
Other names: c.4879G>T (NM_025114.3); short protein forms E1627*.
Identifiers: ClinVar variation 2680643 (VCV002680643.5), dbSNP rs868148490, ClinGen allele CA241156795.